The following is an entry in ClinVar:

ClinVar aggregate classification (germline): Pathogenic. Review status: criteria provided, multiple submitters, no conflicts (2 of 4 stars). 2 submissions from 2 submitters: Pathogenic (2). Last evaluated 2026-01-18.

Conditions:
USH2A-related disorder. Also called: USH2A-related condition; USH2A-related disorders. Identifiers: MedGen CN239332.

Submissions (2):

Labcorp Genetics (formerly Invitae), Labcorp
Classification: Pathogenic. Last evaluated: 2026-01-18. Review status: criteria provided, single submitter. Criteria: Invitae Variant Classification Sherloc (09022015). Collection method: clinical testing. Allele origin: germline.
Comment: This sequence change creates a premature translational stop signal (p.Cys84Valfs*61) in the USH2A gene. It is expected to result in an absent or disrupted protein product. Loss-of-function variants in USH2A are known to be pathogenic (PMID: 10729113, 10909849, 20507924, 25649381). This variant is not present in population databases (gnomAD no frequency). This variant has not been reported in the literature in individuals affected with USH2A-related conditions. For these reasons, this variant has been classified as Pathogenic.

PreventionGenetics, part of Exact Sciences
Classification: Pathogenic for USH2A-related condition. Last evaluated: 2024-10-15. Review status: criteria provided, single submitter. Criteria: ACMG Guidelines, 2015. Collection method: clinical testing. Allele origin: germline.
Comment: The USH2A c.250delT variant is predicted to result in a frameshift and premature protein termination (p.Cys84Valfs*61). To our knowledge, this variant has not been reported in the literature or in a large population database (gnomAD), indicating this variant is rare. Frameshift variants in USH2A are an established mechanism of disease. This variant is interpreted as pathogenic.

Literature cited by the submitters: PubMed 10729113 (cited by Labcorp Genetics (formerly Invitae), Labcorp); PubMed 10909849 (cited by Labcorp Genetics (formerly Invitae), Labcorp); PubMed 20507924 (cited by Labcorp Genetics (formerly Invitae), Labcorp); PubMed 25649381 (cited by Labcorp Genetics (formerly Invitae), Labcorp).

NM_206933.4(USH2A):c.250del (p.Cys84fs)

Gene: USH2A (usherin; minus strand). Cytogenetic location: 1q41.
Variant type: Deletion.
Coding change: c.250del on transcript NM_206933.4 (MANE Select); coding-DNA position 250, one base deleted (T; older notation c.250delT).
Protein change: p.Cys84fs; shifts the reading frame from cysteine 84.
Molecular consequence: frameshift variant.
Genome position (GRCh38, 1-based): chr1:216,422,087, A deleted on the plus strand (T on the coding strand, the reverse complement: USH2A is on the minus strand); the first of 4 consecutive A bases (chr1:216,422,087-216,422,090); deleting any one gives the same sequence. VCF-style (leftmost placement, unchanged base first): chr1-216422086-CA-C. GRCh37 (hg19) VCF-style: chr1-216595428-CA-C.
Other names: c.250delT (NM_206933.2); c.250del, p.Cys84fs (NM_007123.6); short protein forms C84fs.
Identifiers: ClinVar variation 4770111 (VCV004770111.2).